The following is an entry in ClinVar:

NM_002470.4(MYH3):c.4910C>T (p.Ala1637Val)

Gene: MYH3 (myosin heavy chain 3; minus strand). Cytogenetic location: 17p13.1.
Variant type: single nucleotide variant.
Coding change: c.4910C>T on transcript NM_002470.4 (MANE Select); coding-DNA position 4910, C replaced by T.
Protein change: p.Ala1637Val; replaces alanine 1637 with valine.
Molecular consequence: missense variant.
Genome position (GRCh38, 1-based): chr17:10,632,522, G>A on the plus strand (C>T on the coding strand, the complement: MYH3 is on the minus strand). VCF-style: chr17-10632522-G-A. GRCh37 (hg19) VCF-style: chr17-10535839-G-A.
Other names: short protein forms A1637V.
Identifiers: ClinVar variation 211555 (VCV000211555.52), dbSNP rs34165480, ClinGen allele CA206788.

ClinVar aggregate classification (germline): Conflicting classifications of pathogenicity. Review status: criteria provided, conflicting classifications (1 of 4 stars). 9 submissions from 8 submitters: Uncertain significance (1); Benign (3); Likely benign (4). 1 of the submissions does not count toward it. Last evaluated 2026-01-21.

Conditions:
Freeman-Sheldon syndrome (DA2A). Also called: CRANIOCARPOTARSAL DYSPLASIA; CRANIOCARPOTARSAL DYSTROPHY; Arthrogryposis, distal, type 2A (Freeman-Sheldon); WHISTLING FACE-WINDMILL VANE HAND SYNDROME. Identifiers: Orphanet 2053, MedGen C0265224, MONDO:0008675, OMIM 193700.
MYH3-related disorder. Also called: MYH3-Related Disorders; MYH3-related condition. Identifiers: MedGen CN239329.
Distal arthrogryposis type 2B1 (DA2B1). Also called: Arthrogryposis multiplex congenita distal type II with craniofacial abnormalities. Identifiers: Orphanet 1147, MedGen C5193014, MONDO:0020820, OMIM 601680.

Allele frequency attached by ClinVar (database versions not stated): 1000 Genomes Project 30x 0.00109; 1000 Genomes Project 0.00120; gnomAD 0.00309 and 0.00311; gnomAD exomes 0.00311 and 0.00480; TOPMed 0.00330; ExAC 0.00352; ESP Exome Variant Server 0.00369.

Submissions (14):

Labcorp Genetics (formerly Invitae), Labcorp
Classification: Benign. Last evaluated: 2026-01-21. Review status: criteria provided, single submitter. Criteria: Invitae Variant Classification Sherloc (09022015). Collection method: clinical testing. Allele origin: germline.

CeGaT Center for Human Genetics Tuebingen
Classification: Likely benign. Last evaluated: 2025-10-01. Review status: criteria provided, single submitter. Criteria: CeGaT Center For Human Genetics Tuebingen Variant Classification Criteria Version 2. Collection method: clinical testing. Allele origin: germline. Affected: yes. Observed: 8 variant alleles.
Comment: MYH3: BS2

Blueprint Genetics
Classification: Likely benign. Last evaluated: 2024-11-26. Review status: criteria provided, single submitter. Criteria: ACMG Guidelines, 2015. Collection method: clinical testing. Allele origin: germline.

GeneDx
Classification: Benign. Last evaluated: 2021-09-16. Review status: criteria provided, single submitter. Criteria: GeneDx Variant Classification Process June 2021. Collection method: clinical testing. Allele origin: germline. Affected: yes.
Comment: This variant is associated with the following publications: (PMID: 29687901, 30487145, 25957469, 16642020)

Mendelics
Classification: Likely benign for Freeman-Sheldon syndrome. Last evaluated: 2019-05-28. Review status: criteria provided, single submitter. Criteria: Mendelics Assertion Criteria 2017. Collection method: clinical testing. Allele origin: unknown.

Illumina Laboratory Services, Illumina
Classification: Uncertain significance for Freeman-Sheldon syndrome. Last evaluated: 2017-04-27. Review status: criteria provided, single submitter. Criteria: ICSL Variant Classification Criteria 13 December 2019. Collection method: clinical testing. Allele origin: germline.

Illumina Laboratory Services, Illumina
Classification: Likely benign for Distal arthrogryposis type 2B1. Last evaluated: 2017-04-27. Review status: criteria provided, single submitter. Criteria: ICSL Variant Classification Criteria 13 December 2019. Collection method: clinical testing. Allele origin: germline.
Comment: This variant was observed as part of a predisposition screen in an ostensibly healthy population. A literature search was performed for the gene, cDNA change, and amino acid change (where applicable). No publications were found based on this search. Allele frequency data from public databases allowed determination this variant is unlikely to cause disease. Therefore, this variant is classified as likely benign.

Genetic Services Laboratory, University of Chicago
Classification: Benign. Last evaluated: 2017-01-03. Review status: criteria provided, single submitter. Criteria: ACMG Guidelines, 2015. Collection method: clinical testing. Allele origin: germline. Affected: no.

PreventionGenetics, part of Exact Sciences
Classification: Likely benign for MYH3-related condition. Last evaluated: 2020-07-23. Review status: no assertion criteria provided. Collection method: clinical testing. Allele origin: germline. Not counted in ClinVar's aggregate classification.
Comment: This variant is classified as likely benign based on ACMG/AMP sequence variant interpretation guidelines (Richards et al. 2015 PMID: 25741868, with internal and published modifications).

Dr. Peter K. Rogan Lab, Western University
No classification provided (evidence only). Condition: Clear cell carcinoma of kidney. Review status: no classification provided. Collection method: in vitro. Allele origin: not applicable. Functional consequence: retained intron. Not counted in ClinVar's aggregate classification.

Dr. Peter K. Rogan Lab, Western University
No classification provided (evidence only). Condition: Lung cancer. Review status: no classification provided. Collection method: in vitro. Allele origin: not applicable. Functional consequence: retained intron. Not counted in ClinVar's aggregate classification.

Dr. Peter K. Rogan Lab, Western University
No classification provided (evidence only). Condition: Melanoma. Review status: no classification provided. Collection method: in vitro. Allele origin: not applicable. Functional consequence: retained intron. Not counted in ClinVar's aggregate classification.

Dr. Peter K. Rogan Lab, Western University
No classification provided (evidence only). Condition: Thyroid cancer, nonmedullary, 1. Review status: no classification provided. Collection method: in vitro. Allele origin: not applicable. Functional consequence: retained intron. Not counted in ClinVar's aggregate classification.

Dr. Peter K. Rogan Lab, Western University
No classification provided (evidence only). Condition: Hepatocellular carcinoma. Review status: no classification provided. Collection method: in vitro. Allele origin: not applicable. Functional consequence: retained intron. Not counted in ClinVar's aggregate classification.